The following is an entry in ClinVar:

ClinVar aggregate classification (germline): Likely benign. Review status: criteria provided, multiple submitters, no conflicts (2 of 4 stars). 3 submissions from 3 submitters: Likely benign (2). 1 of the submissions does not count toward it. Last evaluated 2025-11-17.

Conditions:
CACNA1H-related disorder.
Epilepsy, childhood absence, susceptibility to, 6. Identifiers: Orphanet 64280, MedGen C2749872, MONDO:0012763, OMIM 611942.
Hyperaldosteronism, familial, type IV (HALD4). Also called: FH IV; ALDOSTERONISM, PRIMARY, AND HYPERTENSION. Identifiers: Orphanet 642671, MedGen C4310756, MONDO:0014875, OMIM 617027.
Idiopathic generalized epilepsy. Also called: EIG; Generalised epilepsy. Identifiers: MedGen C0270850, MONDO:0005579, OMIM 600669.

Allele frequency attached by ClinVar (database versions not stated): ExAC 0.00006; gnomAD exomes 0.00007; ESP Exome Variant Server 0.00017; gnomAD 0.00023 and 0.00025; TOPMed 0.00028.

Submissions (3):

Labcorp Genetics (formerly Invitae), Labcorp
Classification: Likely benign for Idiopathic generalized epilepsy; Hyperaldosteronism, familial, type IV. Last evaluated: 2025-11-17. Review status: criteria provided, single submitter. Criteria: Invitae Variant Classification Sherloc (09022015). Collection method: clinical testing. Allele origin: germline.

Fulgent Genetics
Classification: Likely benign for Epilepsy, childhood absence, susceptibility to, 6; Hyperaldosteronism, familial, type IV. Last evaluated: 2021-09-05. Review status: criteria provided, single submitter. Criteria: ACMG Guidelines, 2015. Collection method: clinical testing. Allele origin: unknown.

PreventionGenetics, part of Exact Sciences
Classification: Likely benign for CACNA1H-related condition. Last evaluated: 2019-04-10. Review status: no assertion criteria provided. Collection method: clinical testing. Allele origin: germline. Not counted in ClinVar's aggregate classification.
Comment: This variant is classified as likely benign based on ACMG/AMP sequence variant interpretation guidelines (Richards et al. 2015 PMID: 25741868, with internal and published modifications).

NM_021098.3(CACNA1H):c.1869C>T (p.Ser623=)

Gene: CACNA1H (calcium voltage-gated channel subunit alpha1 H; plus strand). Cytogenetic location: 16p13.3.
Variant type: single nucleotide variant.
Coding change: c.1869C>T on transcript NM_021098.3 (MANE Select); coding-DNA position 1869, C replaced by T.
Protein change: p.Ser623=; no amino-acid change (serine 623 retained).
Molecular consequence: synonymous variant.
Genome position (GRCh38, 1-based): chr16:1,202,319, C>T. VCF-style: chr16-1202319-C-T. GRCh37 (hg19) VCF-style: chr16-1252319-C-T.
Other names: c.1869C>T, p.Ser623= (NM_001005407.2).
Identifiers: ClinVar variation 529648 (VCV000529648.14), dbSNP rs372975893, ClinGen allele CA7800031.
Genomic context (GRCh38, chr16:1,202,319, plus strand): 5'-ACTGGCCACAGGGCTGGGCACCATGAACTACCCCACGATCCTGCCCTCAGGGGTGGGCAG[C>T]GGCAAAGGCAGCACCAGCCCCGGACCCAAGGGGAAGTGGGCCGGTGGACCGCCAGGCACC-3'
Protein context (NP_066921.2, residues 613-633): YPTILPSGVG[Ser623=]GKGSTSPGPK